The following is an entry in ClinVar:

NM_006502.3(POLH):c.1657dup (p.Gln553fs)

Gene: POLH (DNA polymerase eta; plus strand). Cytogenetic location: 6p21.1.
Variant type: Duplication.
Coding change: c.1657dup on transcript NM_006502.3 (MANE Select); coding-DNA position 1657, one base duplicated (C; older notation c.1657dupC).
Protein change: p.Gln553fs; shifts the reading frame from glutamine 553.
Molecular consequence: frameshift variant. On other transcripts: 3 prime UTR variant (1).
Genome position (GRCh38, 1-based): chr6:43,614,072, C duplicated; the last of 6 consecutive C bases (chr6:43,614,067-43,614,072); duplicating any one gives the same sequence. VCF-style (leftmost placement, unchanged base first): chr6-43614066-T-TC. GRCh37 (hg19) VCF-style: chr6-43581803-T-TC.
Other names: c.1285dup, p.Gln429fs (NM_001291969.2); c.*341dup (NM_001291970.2); short protein forms Q429fs, Q553fs.
Identifiers: ClinVar variation 2734872 (VCV002734872.4), dbSNP rs1480661335, ClinGen allele CA567153191.

ClinVar aggregate classification (germline): Pathogenic. Review status: criteria provided, multiple submitters, no conflicts (2 of 4 stars). 2 submissions from 2 submitters: Pathogenic (2). Last evaluated 2023-09-23.

Conditions:
POLH-related disorder. Also called: POLH-related condition.

Submissions (2):

Labcorp Genetics (formerly Invitae), Labcorp
Classification: Pathogenic. Last evaluated: 2023-09-23. Review status: criteria provided, single submitter. Criteria: Invitae Variant Classification Sherloc (09022015). Collection method: clinical testing. Allele origin: germline.
Comment: This sequence change creates a premature translational stop signal (p.Gln553Profs*9) in the POLH gene. While this is not anticipated to result in nonsense mediated decay, it is expected to disrupt the last 161 amino acid(s) of the POLH protein. This variant is not present in population databases (gnomAD no frequency). This variant disrupts a region of the POLH protein in which other variant(s) (p.Asn555Thrfs*30) have been determined to be pathogenic (PMID: 17344931, 18368133, 24130121, 35328096). This suggests that this is a clinically significant region of the protein, and that variants that disrupt it are likely to be disease-causing. For these reasons, this variant has been classified as Pathogenic. This premature translational stop signal has been observed in individual(s) with clinical features of xeroderma pigmentosum (PMID: 27607234).

Blueprint Genetics
Classification: Pathogenic for POLH-related disorders. Last evaluated: 2020-04-04. Review status: criteria provided, single submitter. Criteria: ACMG Guidelines, 2015. Collection method: clinical testing. Allele origin: germline. Affected: yes. Observed: 1 variant allele.

Literature cited by the submitters: PubMed 17344931 (cited by Labcorp Genetics (formerly Invitae), Labcorp); PubMed 18368133 (cited by Labcorp Genetics (formerly Invitae), Labcorp); PubMed 24130121 (cited by Labcorp Genetics (formerly Invitae), Labcorp); PubMed 35328096 (cited by Labcorp Genetics (formerly Invitae), Labcorp); PubMed 27607234 (cited by Labcorp Genetics (formerly Invitae), Labcorp).